The following is an entry in ClinVar:

ClinVar aggregate classification (germline): Likely pathogenic (1 of 4 stars; one submission).

Conditions:
Brugada syndrome 3 (BRGDA3). Identifiers: Orphanet 130, MedGen C2678478, MONDO:0012742, OMIM 611875.
Timothy syndrome (TS). Also called: LONG QT SYNDROME WITH SYNDACTYLY. Identifiers: Orphanet 65283, MedGen C1832916, MeSH C536962, MONDO:0010979, OMIM 601005.
Neurodevelopmental disorder with hypotonia, language delay, and skeletal defects with or without seizures (NEDHLSS). Identifiers: MedGen C5774213, MONDO:0859286, OMIM 620029.
Long QT syndrome 8. Identifiers: MedGen CN260585, MONDO:0032756, OMIM 618447.

Submission:

Juno Genomics, Hangzhou Juno Genomics, Inc
Classification: Likely pathogenic for Neurodevelopmental disorder with hypotonia, language delay, and skeletal defects with or without seizures; Brugada syndrome 3; Long QT syndrome 8; Timothy syndrome. Review status: criteria provided, single submitter. Criteria: ACMG Guidelines, 2015. Collection method: clinical testing. Allele origin: germline. Affected: yes.
Comment: Absent from controls (or at extremely low frequency if recessive) in Genome Aggregation Database, Exome Sequencing Project, 1000 Genomes Project, or Exome Aggregation Consortium.;De novo (both maternity and paternity confirmed) in a patient with the disease and no family history.;Multiple lines of computational evidence support a deleterious effect on the gene or gene product (conservation, evolutionary, splicing impact, etc).;Missense variant in a gene that has a low rate of benign missense variation and where missense variants are a common mechanism of disease.

NM_000719.7(CACNA1C):c.794T>A (p.Met265Lys)

Gene: CACNA1C (calcium voltage-gated channel subunit alpha1 C; plus strand). Cytogenetic location: 12p13.33.
Variant type: single nucleotide variant.
Coding change: c.794T>A on transcript NM_000719.7 (MANE Select); coding-DNA position 794, T replaced by A.
Protein change: p.Met265Lys; replaces methionine 265 with lysine.
Molecular consequence: missense variant.
Genome position (GRCh38, 1-based): chr12:2,486,140, T>A. VCF-style: chr12-2486140-T-A. GRCh37 (hg19) VCF-style: chr12-2595306-T-A.
Other names: c.794T>A, p.Met265Lys (NM_001129827.2, NM_001129837.2, NM_001129838.2 and 19 more transcripts); short protein forms M265K.
Identifiers: ClinVar variation 3392514 (VCV003392514.2).